The following is an entry in ClinVar:

NM_006767.4(LZTR1):c.200+9G>A

Gene: LZTR1 (leucine zipper like post translational regulator 1; plus strand). Cytogenetic location: 22q11.21.
Variant type: single nucleotide variant.
Coding change: c.200+9G>A on transcript NM_006767.4 (MANE Select); 9 bases into the intron after coding-DNA position 200, G replaced by A.
Molecular consequence: intron variant.
Genome position (GRCh38, 1-based): chr22:20,982,580, G>A. VCF-style: chr22-20982580-G-A. GRCh37 (hg19) VCF-style: chr22-21336869-G-A.
Identifiers: ClinVar variation 2887195 (VCV002887195.3), dbSNP rs2518608053, ClinGen allele CA2739267809.

ClinVar aggregate classification (germline): Uncertain significance (1 of 4 stars; one submission).

Submission:

Labcorp Genetics (formerly Invitae), Labcorp
Classification: Uncertain significance. Last evaluated: 2023-12-08. Review status: criteria provided, single submitter. Criteria: Invitae Variant Classification Sherloc (09022015). Collection method: clinical testing. Allele origin: germline.
Comment: This sequence change falls in intron 1 of the LZTR1 gene. It does not directly change the encoded amino acid sequence of the LZTR1 protein. This variant is not present in population databases (gnomAD no frequency). This variant has not been reported in the literature in individuals affected with LZTR1-related conditions. Algorithms developed to predict the effect of sequence changes on RNA splicing suggest that this variant may disrupt the consensus splice site. In summary, the available evidence is currently insufficient to determine the role of this variant in disease. Therefore, it has been classified as a Variant of Uncertain Significance.